The following is an entry in ClinVar:

NM_032119.4(ADGRV1):c.15284C>T (p.Thr5095Ile)

Gene: ADGRV1 (adhesion G protein-coupled receptor V1; plus strand). Cytogenetic location: 5q14.3.
Variant type: single nucleotide variant.
Coding change: c.15284C>T on transcript NM_032119.4 (MANE Select); coding-DNA position 15284, C replaced by T.
Protein change: p.Thr5095Ile; replaces threonine 5095 with isoleucine.
Molecular consequence: missense variant. On other transcripts: non-coding transcript variant (1).
Genome position (GRCh38, 1-based): chr5:90,810,544, C>T. VCF-style: chr5-90810544-C-T. GRCh37 (hg19) VCF-style: chr5-90106361-C-T.
Other names: c.15284C>T (NM_032119.3); short protein forms T5095I.
Identifiers: ClinVar variation 1523058 (VCV001523058.7), dbSNP rs980189988, ClinGen allele CA122821539.
Genomic context (GRCh38, chr5:90,810,544, plus strand): 5'-AAATAACCATTATTAATGATCAGCTTTCTGAGATAGAAGAATTTTTTTACATTAACCTTA[C>T]TTCAGTAGAAATTAGGGGATTACAAAAGTTTGATGTTAATTGGAGCCCACGCCTGAATCT-3'
Protein context (NP_115495.3, residues 5085-5105): EIEEFFYINL[Thr5095Ile]SVEIRGLQKF

ClinVar aggregate classification (germline): Uncertain significance. Review status: criteria provided, multiple submitters, no conflicts (2 of 4 stars). 2 submissions from 2 submitters: Uncertain significance (2). Last evaluated 2024-02-24.

Conditions:
Inborn genetic diseases. Identifiers: MedGen C0950123, MeSH D030342.

Submissions (2):

Labcorp Genetics (formerly Invitae), Labcorp
Classification: Uncertain significance. Last evaluated: 2024-02-24. Review status: criteria provided, single submitter. Criteria: Invitae Variant Classification Sherloc (09022015). Collection method: clinical testing. Allele origin: germline.
Comment: This sequence change replaces threonine, which is neutral and polar, with isoleucine, which is neutral and non-polar, at codon 5095 of the ADGRV1 protein (p.Thr5095Ile). This variant is not present in population databases (gnomAD no frequency). This variant has not been reported in the literature in individuals affected with ADGRV1-related conditions. ClinVar contains an entry for this variant (Variation ID: 1523058). Advanced modeling of protein sequence and biophysical properties (such as structural, functional, and spatial information, amino acid conservation, physicochemical variation, residue mobility, and thermodynamic stability) performed at Invitae indicates that this missense variant is not expected to disrupt ADGRV1 protein function with a negative predictive value of 95%. In summary, the available evidence is currently insufficient to determine the role of this variant in disease. Therefore, it has been classified as a Variant of Uncertain Significance.

Ambry Genetics
Classification: Uncertain significance for Inborn genetic diseases. Last evaluated: 2022-06-28. Review status: criteria provided, single submitter. Criteria: Ambry Variant Classification Scheme 2023. Collection method: clinical testing. Allele origin: germline.